The following is an entry in ClinVar:

NM_001010892.3(RSPH4A):c.1667G>A (p.Arg556His)

Gene: RSPH4A (radial spoke head component 4A; plus strand). Cytogenetic location: 6q22.1.
Variant type: single nucleotide variant.
Coding change: c.1667G>A on transcript NM_001010892.3 (MANE Select); coding-DNA position 1667, G replaced by A.
Protein change: p.Arg556His; replaces arginine 556 with histidine.
Molecular consequence: missense variant. On other transcripts: intron variant (1).
Genome position (GRCh38, 1-based): chr6:116,629,571, G>A. VCF-style: chr6-116629571-G-A. GRCh37 (hg19) VCF-style: chr6-116950734-G-A.
Other names: c.1663-864G>A (NM_001161664.2); short protein forms R556H.
Identifiers: ClinVar variation 165060 (VCV000165060.28), dbSNP rs6927567, ClinGen allele CA177726.
Genomic context (GRCh38, chr6:116,629,571, plus strand): 5'-ATCTGAAATTTTAAGGTCCCCATTAGACTACTAAATCTTGCAACATTCATTCCCAGGGTC[G>A]CTGTAATTGGTTCAACTCCATACAAAAAAATGAGGAAGAAGAAGAGGAAGAAGATGAAGA-3'
Protein context (NP_001010892.1, residues 546-566): HHVQHILSQG[Arg556His]CNWFNSIQKN

ClinVar aggregate classification (germline): Benign/Likely benign. Review status: criteria provided, multiple submitters, no conflicts (2 of 4 stars). 9 submissions from 9 submitters: Benign (8); Likely benign (1). Last evaluated 2026-02-03.

Conditions:
Primary ciliary dyskinesia. Also called: Ciliary dyskinesia. Identifiers: Orphanet 244, MedGen C0008780, MONDO:0016575, HP:0012265.
Primary ciliary dyskinesia 11. Also called: CILIARY DYSKINESIA, PRIMARY, 11, WITHOUT SITUS INVERSUS. Identifiers: Orphanet 244, MedGen C2675229, MONDO:0012978, OMIM 612649.

Allele frequency attached by ClinVar (database versions not stated): ESP Exome Variant Server 0.16977; 1000 Genomes Project 0.20487; ExAC 0.21354; 1000 Genomes Project 30x 0.19956; gnomAD exomes 0.21423 and 0.20021; TOPMed 0.17916; gnomAD 0.18378 and 0.18606.
gnomAD v4.1: 320,039 of 1,608,588 alleles (20%); highest among the groups gnomAD compares: East Asian, 32%; 33,186 homozygotes.

Submissions (9):

Labcorp Genetics (formerly Invitae), Labcorp
Classification: Benign for Primary ciliary dyskinesia. Last evaluated: 2026-02-03. Review status: criteria provided, single submitter. Criteria: Invitae Variant Classification Sherloc (09022015). Collection method: clinical testing. Allele origin: germline.

Blueprint Genetics
Classification: Likely benign. Last evaluated: 2024-11-26. Review status: criteria provided, single submitter. Criteria: ACMG Guidelines, 2015. Collection method: clinical testing. Allele origin: germline.

Mayo Clinic Laboratories, Mayo Clinic
Classification: Benign. Last evaluated: 2022-04-26. Review status: criteria provided, single submitter. Criteria: ACMG Guidelines, 2015. Collection method: clinical testing. Allele origin: germline. Observed: 91 variant alleles.

GeneDx
Classification: Benign. Last evaluated: 2018-11-27. Review status: criteria provided, single submitter. Criteria: GeneDx Variant Classification Process June 2021. Collection method: clinical testing. Allele origin: germline. Affected: yes.

Illumina Laboratory Services, Illumina
Classification: Benign for Primary ciliary dyskinesia 11. Last evaluated: 2018-01-13. Review status: criteria provided, single submitter. Criteria: ICSL Variant Classification Criteria 13 December 2019. Collection method: clinical testing. Allele origin: germline.
Comment: This variant was observed in the ICSL laboratory as part of a predisposition screen in an ostensibly healthy population. It had not been previously curated by ICSL or reported in the Human Gene Mutation Database (HGMD: prior to June 1st, 2018), and was therefore a candidate for classification through an automated scoring system. Utilizing variant allele frequency, disease prevalence and penetrance estimates, and inheritance mode, an automated score was calculated to assess if this variant is too frequent to cause the disease. Based on the score and internal cut-off values, a variant classified as benign is not then subjected to further curation. The score for this variant resulted in a classification of benign for this disease.

Eurofins Ntd Llc (ga)
Classification: Benign. Last evaluated: 2015-04-30. Review status: criteria provided, single submitter. Criteria: EGL Classification Definitions 2015. Collection method: clinical testing. Allele origin: germline. Observed: 18 variant alleles, 16 heterozygotes, 2 homozygotes.

Ambry Genetics
Classification: Benign for Primary ciliary dyskinesia. Last evaluated: 2014-12-01. Review status: criteria provided, single submitter. Criteria: Ambry Variant Classification Scheme 2023. Collection method: clinical testing. Allele origin: germline.

Laboratory for Molecular Medicine, Mass General Brigham Personalized Medicine
Classification: Benign. Last evaluated: 2013-02-21. Review status: criteria provided, single submitter. Criteria: LMM Criteria. Collection method: clinical testing. Allele origin: germline. Observed: 42 variant alleles.
Comment: Arg556His in exon 4 of RSPH4A: This variant is not expected to have clinical sig nificance because it has been identified in 19.5% (1679/8600) of European Americ an chromosomes from a broad population by the NHLBI Exome Sequencing Project (dbSNP rs6927567).

PreventionGenetics, part of Exact Sciences
Classification: Benign. Review status: criteria provided, single submitter. Criteria: ACMG Guidelines, 2015. Collection method: clinical testing. Allele origin: germline.